The following is an entry in ClinVar:

ClinVar aggregate classification (germline): Uncertain significance (1 of 4 stars; one submission).

gnomAD v4.1: 25 of 1,598,710 alleles (0.0016%); highest among the groups gnomAD compares: Non-Finnish European, 0.0021%; no homozygotes.

Submission:

CeGaT Center for Human Genetics Tuebingen
Classification: Uncertain significance. Last evaluated: 2025-02-01. Review status: criteria provided, single submitter. Criteria: CeGaT Center For Human Genetics Tuebingen Variant Classification Criteria Version 2. Collection method: clinical testing. Allele origin: germline. Affected: yes. Observed: 1 variant allele.
Comment: CAPN1: PM2

NM_005186.4(CAPN1):c.503T>C (p.Leu168Pro)

Gene: CAPN1 (calpain 1; plus strand). Cytogenetic location: 11q13.1.
Variant type: single nucleotide variant.
Coding change: c.503T>C on transcript NM_005186.4 (MANE Select); coding-DNA position 503, T replaced by C.
Protein change: p.Leu168Pro; replaces leucine 168 with proline.
Molecular consequence: missense variant. On other transcripts: non-coding transcript variant (1).
Genome position (GRCh38, 1-based): chr11:65,185,963, T>C. VCF-style: chr11-65185963-T-C. GRCh37 (hg19) VCF-style: chr11-64953434-T-C.
Other names: c.503T>C, p.Leu168Pro (NM_001198868.2, NM_001198869.2); short protein forms L168P.
Identifiers: ClinVar variation 3771883 (VCV003771883.13).